The following is an entry in ClinVar:

NM_001378183.1(PIEZO2):c.6530G>C (p.Arg2177Thr)

Gene: PIEZO2 (piezo type mechanosensitive ion channel component 2; minus strand). Cytogenetic location: 18p11.22.
Variant type: single nucleotide variant.
Coding change: c.6530G>C on transcript NM_001378183.1 (MANE Select); coding-DNA position 6530, G replaced by C.
Protein change: p.Arg2177Thr; replaces arginine 2177 with threonine.
Molecular consequence: missense variant.
Genome position (GRCh38, 1-based): chr18:10,699,089, C>G on the plus strand (G>C on the coding strand, the complement: PIEZO2 is on the minus strand). VCF-style: chr18-10699089-C-G. GRCh37 (hg19) VCF-style: chr18-10699087-C-G.
Other names: c.6191G>C, p.Arg2064Thr (NM_022068.4); short protein forms R2064T, R2177T.
Identifiers: ClinVar variation 261522 (VCV000261522.17), dbSNP rs79992793, ClinGen allele CA8892230.

ClinVar aggregate classification (germline): Benign/Likely benign. Review status: criteria provided, multiple submitters, no conflicts (2 of 4 stars). 9 submissions from 9 submitters: Benign (4); Likely benign (3). 2 of the submissions do not count toward it. Last evaluated 2026-01-19.

Allele frequency attached by ClinVar (database versions not stated): ESP Exome Variant Server 0.00285; ExAC 0.00455; gnomAD 0.00478 and 0.00560; TOPMed 0.00605; gnomAD exomes 0.00962; 1000 Genomes Project 30x 0.01608; 1000 Genomes Project 0.01677.
gnomAD v4.1: 9,117 of 1,537,244 alleles (0.59%); highest among the groups gnomAD compares: East Asian, 7.5%; 141 homozygotes.

Submissions (9):

Labcorp Genetics (formerly Invitae), Labcorp
Classification: Benign. Last evaluated: 2026-01-19. Review status: criteria provided, single submitter. Criteria: Invitae Variant Classification Sherloc (09022015). Collection method: clinical testing. Allele origin: germline.

Blueprint Genetics
Classification: Likely benign. Last evaluated: 2024-11-25. Review status: criteria provided, single submitter. Criteria: ACMG Guidelines, 2015. Collection method: clinical testing. Allele origin: germline.

ARUP Laboratories, Molecular Genetics and Genomics, ARUP Laboratories
Classification: Benign. Last evaluated: 2023-11-03. Review status: criteria provided, single submitter. Criteria: ARUP Molecular Germline Variant Investigation Process 2024. Collection method: clinical testing. Allele origin: germline.

GeneDx
Classification: Benign. Last evaluated: 2018-07-09. Review status: criteria provided, single submitter. Criteria: GeneDx Variant Classification Process June 2021. Collection method: clinical testing. Allele origin: germline. Affected: yes.

Center for Pediatric Genomic Medicine, Children's Mercy Hospital and Clinics
Classification: Likely benign. Last evaluated: 2016-09-14. Review status: criteria provided, single submitter. Criteria: ACMG Guidelines, 2015. Collection method: clinical testing. Allele origin: germline.
ClinVar note: Converted during submission from Likely Benign to Likely benign.

Breakthrough Genomics
Classification: Likely benign. Review status: criteria provided, single submitter. Criteria: ACMG Guidelines, 2015. Collection method: not provided. Allele origin: germline. Inheritance: Autosomal recessive inheritance. Affected: yes.

PreventionGenetics, part of Exact Sciences
Classification: Benign. Review status: criteria provided, single submitter. Criteria: ACMG Guidelines, 2015. Collection method: clinical testing. Allele origin: germline.

Clinical Genetics, Academic Medical Center
Classification: Likely benign. Review status: no assertion criteria provided. Collection method: clinical testing. Allele origin: germline. Affected: yes. Study: VKGL Data-share Consensus. Not counted in ClinVar's aggregate classification.

Laboratory of Diagnostic Genome Analysis, Leiden University Medical Center (LUMC)
Classification: Likely benign. Review status: no assertion criteria provided. Collection method: clinical testing. Allele origin: germline. Affected: yes. Study: VKGL Data-share Consensus. Not counted in ClinVar's aggregate classification.